The following is an entry in ClinVar:

ClinVar aggregate classification (germline): Conflicting classifications of pathogenicity. Review status: criteria provided, conflicting classifications (1 of 4 stars). 6 submissions from 6 submitters: Uncertain significance (5); Likely benign (1). Last evaluated 2024-11-19.

Conditions:
Atrial fibrillation, familial, 7 (ATFB7). Identifiers: MedGen C2677106, MONDO:0012828, OMIM 612240.

Allele frequency attached by ClinVar (database versions not stated): ExAC 0.00006; gnomAD exomes 0.00006 and 0.00014; ESP Exome Variant Server 0.00008; TOPMed 0.00008; gnomAD 0.00009 and 0.00010.

Submissions (6):

Blueprint Genetics
Classification: Uncertain significance. Last evaluated: 2024-11-19. Review status: criteria provided, single submitter. Criteria: ACMG Guidelines, 2015. Collection method: clinical testing. Allele origin: germline.

Women's Health and Genetics/Laboratory Corporation of America, LabCorp
Classification: Likely benign. Last evaluated: 2024-06-24. Review status: criteria provided, single submitter. Criteria: LabCorp Variant Classification Summary - May 2015. Collection method: clinical testing. Allele origin: germline.
Comment: Variant summary: KCNA5 c.1327A>G (p.Ile443Val) results in a conservative amino acid change located in the Ion transport domain (IPR005821) of the encoded protein sequence. Three of five in-silico tools predict a damaging effect of the variant on protein function. The variant allele was found at a frequency of 0.00013 in 1614016 control chromosomes, predominantly at a frequency of 0.00018 within the Non-Finnish European subpopulation in the gnomAD database. The observed variant frequency within Non-Finnish European control individuals in the gnomAD database is approximately 2-fold of the estimated maximal expected allele frequency for a pathogenic variant in KCNA5 causing Atrial Fibrillation phenotype (9.4e-05). This report does not provide unequivocal conclusions about association of the variant with Atrial Fibrillation. To our knowledge, no experimental evidence demonstrating an impact on protein function has been reported. The following publication has been ascertained in the context of this evaluation (PMID: 31727138). ClinVar contains an entry for this variant (Variation ID: 469583). Based on the evidence outlined above, the variant was classified as likely benign.

Labcorp Genetics (formerly Invitae), Labcorp
Classification: Uncertain significance for Atrial fibrillation, familial, 7. Last evaluated: 2024-05-22. Review status: criteria provided, single submitter. Criteria: Invitae Variant Classification Sherloc (09022015). Collection method: clinical testing. Allele origin: germline.
Comment: This sequence change replaces isoleucine, which is neutral and non-polar, with valine, which is neutral and non-polar, at codon 443 of the KCNA5 protein (p.Ile443Val). This variant is present in population databases (rs370591031, gnomAD 0.01%). This missense change has been observed in individual(s) with pulmonary arterial hypertension (PMID: 31727138). ClinVar contains an entry for this variant (Variation ID: 469583). Advanced modeling of protein sequence and biophysical properties (such as structural, functional, and spatial information, amino acid conservation, physicochemical variation, residue mobility, and thermodynamic stability) performed at Invitae indicates that this missense variant is not expected to disrupt KCNA5 protein function with a negative predictive value of 80%. In summary, the available evidence is currently insufficient to determine the role of this variant in disease. Therefore, it has been classified as a Variant of Uncertain Significance.

Fulgent Genetics
Classification: Uncertain significance for Atrial fibrillation, familial, 7. Last evaluated: 2021-08-03. Review status: criteria provided, single submitter. Criteria: ACMG Guidelines, 2015. Collection method: clinical testing. Allele origin: unknown.

ARUP Laboratories, Molecular Genetics and Genomics, ARUP Laboratories
Classification: Uncertain significance for Atrial fibrillation, familial, 7. Last evaluated: 2021-06-15. Review status: criteria provided, single submitter. Criteria: ARUP Molecular Germline Variant Investigation Process 2021. Collection method: clinical testing. Allele origin: germline.
Comment: The KCNA5 c.1327A>G; p.Ile443Val variant (rs370591031) is reported in the literature in an individual diagnosed with pulmonary arterial hypertension (Zhu 2019), and is also reported in ClinVar (Variation ID: 469583). This variant is found in the general population with an overall allele frequency of 0.006% (18/282786 alleles) in the Genome Aggregation Database. The isoleucine at codon 443 is highly conserved, but computational analyses are uncertain whether this variant is neutral or deleterious (REVEL: 0.674). Due to limited information, the clinical significance of this variant is uncertain at this time. References: Zhu et al. Novel risk genes and mechanisms implicated by exome sequencing of 2572 individuals with pulmonary arterial hypertension. Genome Med. 2019 Nov 14;11(1):69. PMID: 31727138.

GeneDx
Classification: Uncertain significance. Last evaluated: 2021-03-09. Review status: criteria provided, single submitter. Criteria: GeneDx Variant Classification Process June 2021. Collection method: clinical testing. Allele origin: germline. Affected: yes.
Comment: Reported in a patient with idiopathic pulmonary hypertension (Zhu et al., 2019); however, additional clinical information was not provided; Reported in ClinVar as a variant of uncertain significance (ClinVar Variant ID# 469583; Landrum et al., 2016); In silico analysis supports that this missense variant does not alter protein structure/function; This variant is associated with the following publications: (PMID: 31727138)

Literature cited by the submitters: PubMed 31727138 (cited by Women's Health and Genetics/Laboratory Corporation of America, LabCorp and Labcorp Genetics (formerly Invitae), Labcorp).

NM_002234.4(KCNA5):c.1327A>G (p.Ile443Val)

Gene: KCNA5 (potassium voltage-gated channel subfamily A member 5; plus strand). Cytogenetic location: 12p13.32.
Variant type: single nucleotide variant.
Coding change: c.1327A>G on transcript NM_002234.4 (MANE Select); coding-DNA position 1327, A replaced by G.
Protein change: p.Ile443Val; replaces isoleucine 443 with valine.
Molecular consequence: missense variant.
Genome position (GRCh38, 1-based): chr12:5,045,474, A>G. VCF-style: chr12-5045474-A-G. GRCh37 (hg19) VCF-style: chr12-5154640-A-G.
Other names: short protein forms I443V.
Identifiers: ClinVar variation 469583 (VCV000469583.20), dbSNP rs370591031, ClinGen allele CA6399846.